The following is an entry in ClinVar:

ClinVar aggregate classification (germline): Benign (1 of 4 stars; one submission).

Allele frequency attached by ClinVar (database versions not stated): 1000 Genomes Project 30x 0.00047; ExAC 0.00052; 1000 Genomes Project 0.00060.
gnomAD v4.1: 1,291 of 693,118 alleles (0.19%); highest among the groups gnomAD compares: Non-Finnish European, 0.3%; 4 homozygotes.

Submission:

CeGaT Center for Human Genetics Tuebingen
Classification: Benign. Last evaluated: 2024-01-01. Review status: criteria provided, single submitter. Criteria: CeGaT Center For Human Genetics Tuebingen Variant Classification Criteria Version 2. Collection method: clinical testing. Allele origin: germline. Affected: yes. Observed: 2 variant alleles.
Comment: C4orf54: BS1, BS2

NM_001354435.2(C4orf54):c.15T>A (p.His5Gln)

Gene: C4orf54 (chromosome 4 open reading frame 54; minus strand). Cytogenetic location: 4q23.
Variant type: single nucleotide variant.
Coding change: c.15T>A on transcript NM_001354435.2 (MANE Select); coding-DNA position 15, T replaced by A.
Protein change: p.His5Gln; replaces histidine 5 with glutamine.
Molecular consequence: missense variant.
Genome position (GRCh38, 1-based): chr4:99,654,634, A>T on the plus strand (T>A on the coding strand, the complement: C4orf54 is on the minus strand). VCF-style: chr4-99654634-A-T. GRCh37 (hg19) VCF-style: chr4-100575791-A-T.
Other names: short protein forms H5Q.
Identifiers: ClinVar variation 2654978 (VCV002654978.24), dbSNP rs531295292, ClinGen allele CA3022766.